The following is an entry in ClinVar:

ClinVar aggregate classification (germline): Likely benign (0 of 4 stars; one submission).

Conditions:
PLXNA1-related disorder. Also called: PLXNA1-related condition.

gnomAD v4.1: 6 of 1,613,546 alleles (0.00037%); highest among the groups gnomAD compares: African/African-American, 0.004%; no homozygotes.

Submission:

PreventionGenetics, part of Exact Sciences
Classification: Likely benign for PLXNA1-related condition. Last evaluated: 2023-02-17. Review status: no assertion criteria provided. Collection method: clinical testing. Allele origin: germline.
Comment: This variant is classified as likely benign based on ACMG/AMP sequence variant interpretation guidelines (Richards et al. 2015 PMID: 25741868, with internal and published modifications).

NM_032242.4(PLXNA1):c.744C>T (p.Tyr248=)

Gene: PLXNA1 (plexin A1; plus strand). Cytogenetic location: 3q21.3.
Variant type: single nucleotide variant.
Coding change: c.744C>T on transcript NM_032242.4 (MANE Select); coding-DNA position 744, C replaced by T.
Protein change: p.Tyr248=; no amino-acid change (tyrosine 248 retained).
Molecular consequence: synonymous variant.
Genome position (GRCh38, 1-based): chr3:126,989,337, C>T. VCF-style: chr3-126989337-C-T. GRCh37 (hg19) VCF-style: chr3-126708180-C-T.
Identifiers: ClinVar variation 3356727 (VCV003356727.1).
Genomic context (GRCh38, chr3:126,989,337, plus strand): 5'-GCTCAAGATCCCTTCGGACACGCTGTCCAAGTTCCCGGCCTTTGACATCTACTATGTGTA[C>T]AGCTTCCGCAGCGAGCAGTTTGTCTACTACCTCACGCTGCAGCTAGACACACAGCTGACC-3'
Protein context (NP_115618.3, residues 238-258): KFPAFDIYYV[Tyr248=]SFRSEQFVYY